The following is an entry in ClinVar:

NM_024570.4(RNASEH2B):c.193G>A (p.Val65Ile)

Gene: RNASEH2B (ribonuclease H2 subunit B; plus strand). Cytogenetic location: 13q14.3.
Variant type: single nucleotide variant.
Coding change: c.193G>A on transcript NM_024570.4 (MANE Select); coding-DNA position 193, G replaced by A.
Protein change: p.Val65Ile; replaces valine 65 with isoleucine.
Molecular consequence: missense variant.
Genome position (GRCh38, 1-based): chr13:50,929,531, G>A. VCF-style: chr13-50929531-G-A. GRCh37 (hg19) VCF-style: chr13-51503667-G-A.
Other names: c.193G>A, p.Val65Ile (NM_001142279.2); c.193G>A (NM_024570.3); short protein forms V65I.
Identifiers: ClinVar variation 1520002 (VCV001520002.7), dbSNP rs541903338, ClinGen allele CA249996622.

ClinVar aggregate classification (germline): Uncertain significance. Review status: criteria provided, multiple submitters, no conflicts (2 of 4 stars). 2 submissions from 2 submitters: Uncertain significance (2). Last evaluated 2024-10-17.

Conditions:
Inborn genetic diseases. Identifiers: MedGen C0950123, MeSH D030342.
Aicardi-Goutieres syndrome 2. Identifiers: Orphanet 51, MedGen C3489724, MONDO:0012429, OMIM 610181.

Allele frequency attached by ClinVar (database versions not stated): gnomAD exomes 0.00001; gnomAD 0.00003 and 0.00004; TOPMed 0.00004.
gnomAD v4.1: 12 of 1,613,718 alleles (0.00074%); highest among the groups gnomAD compares: African/African-American, 0.008%; no homozygotes.

Submissions (2):

Labcorp Genetics (formerly Invitae), Labcorp
Classification: Uncertain significance for Aicardi-Goutieres syndrome 2. Last evaluated: 2024-10-17. Review status: criteria provided, single submitter. Criteria: Invitae Variant Classification Sherloc (09022015). Collection method: clinical testing. Allele origin: germline.
Comment: This sequence change replaces valine, which is neutral and non-polar, with isoleucine, which is neutral and non-polar, at codon 65 of the RNASEH2B protein (p.Val65Ile). This variant is present in population databases (rs541903338, gnomAD 0.01%). This variant has not been reported in the literature in individuals affected with RNASEH2B-related conditions. ClinVar contains an entry for this variant (Variation ID: 1520002). An algorithm developed to predict the effect of missense changes on protein structure and function outputs the following: PolyPhen-2: "Benign". The isoleucine amino acid residue is found in multiple mammalian species, which suggests that this missense change does not adversely affect protein function. In summary, the available evidence is currently insufficient to determine the role of this variant in disease. Therefore, it has been classified as a Variant of Uncertain Significance.

Ambry Genetics
Classification: Uncertain significance for Inborn genetic diseases. Last evaluated: 2024-04-06. Review status: criteria provided, single submitter. Criteria: Ambry Variant Classification Scheme 2023. Collection method: clinical testing. Allele origin: germline.